The following is an entry in ClinVar:

ClinVar aggregate classification (germline): Pathogenic. Review status: criteria provided, single submitter (1 of 4 stars). 2 submissions from 2 submitters: Pathogenic (1). 1 of the submissions does not count toward it. Last evaluated 2021-12-18.

Conditions:
Autosomal dominant spastic paraplegia type 9. Identifiers: MedGen C1832669, MONDO:0015091.
Cutis laxa, autosomal dominant 3 (ADCL3). Identifiers: Orphanet 90348, MedGen C4225268, MONDO:0014706, OMIM 616603.
de Barsy syndrome. Also called: Cutis laxa-corneal clouding-oligophrenia syndrome. Identifiers: Orphanet 2962, MedGen C0268354, MONDO:0017569.
Hereditary spastic paraplegia 9A. Also called: CATARACTS WITH MOTOR NEURONOPATHY, SHORT STATURE, AND SKELETAL ABNORMALITIES; SPASTIC PARAPARESIS WITH AMYOTROPHY, CATARACTS, AND GASTROESOPHAGEAL REFLUX; SPASTIC PARAPLEGIA 9A, AUTOSOMAL DOMINANT. Identifiers: Orphanet 100990, Orphanet 447753, MedGen C5568978, MONDO:0011006, OMIM 601162.

Submissions (2):

Labcorp Genetics (formerly Invitae), Labcorp
Classification: Pathogenic for Autosomal dominant spastic paraplegia type 9; de Barsy syndrome; Cutis laxa, autosomal dominant 3. Last evaluated: 2021-12-18. Review status: criteria provided, single submitter. Criteria: Invitae Variant Classification Sherloc (09022015). Collection method: clinical testing. Allele origin: germline.
Comment: This missense change has been observed in individual(s) with autosomal dominant hereditary spastic paraplegia (PMID: 26026163). It has also been observed to segregate with disease in related individuals. For these reasons, this variant has been classified as Pathogenic. Algorithms developed to predict the effect of missense changes on protein structure and function are either unavailable or do not agree on the potential impact of this missense change (SIFT: "Deleterious"; PolyPhen-2: "Probably Damaging"; Align-GVGD: "Class C0"). ClinVar contains an entry for this variant (Variation ID: 217118). This variant is not present in population databases (gnomAD no frequency). This sequence change replaces valine, which is neutral and non-polar, with alanine, which is neutral and non-polar, at codon 120 of the ALDH18A1 protein (p.Val120Ala).

OMIM
Classification: Pathogenic for SPASTIC PARAPLEGIA 9A, AUTOSOMAL DOMINANT. Last evaluated: 2015-08-21. Review status: no assertion criteria provided. Collection method: literature only. Allele origin: germline. Not counted in ClinVar's aggregate classification.

Literature cited by the submitters: PubMed 26026163 (cited by Labcorp Genetics (formerly Invitae), Labcorp and OMIM); PubMed 26297558 (cited by OMIM).

NM_002860.4(ALDH18A1):c.359T>C (p.Val120Ala)

Gene: ALDH18A1 (aldehyde dehydrogenase 18 family member A1; minus strand). Cytogenetic location: 10q24.1.
Variant type: single nucleotide variant.
Coding change: c.359T>C on transcript NM_002860.4 (MANE Select); coding-DNA position 359, T replaced by C.
Protein change: p.Val120Ala; replaces valine 120 with alanine.
Molecular consequence: missense variant. On other transcripts: intron variant (1).
Genome position (GRCh38, 1-based): chr10:95,637,381, A>G on the plus strand (T>C on the coding strand, the complement: ALDH18A1 is on the minus strand). VCF-style: chr10-95637381-A-G. GRCh37 (hg19) VCF-style: chr10-97397138-A-G.
Other names: c.359T>C, p.Val120Ala (NM_001017423.2, NM_001323413.2, NM_001323414.2 and 2 more transcripts); c.26T>C, p.Val9Ala (NM_001323412.2, NM_001323416.2, NM_001323418.2); c.-78-3732T>C (NM_001323419.2); short protein forms V120A, V9A.
Identifiers: ClinVar variation 217118 (VCV000217118.11), dbSNP rs863224945, ClinGen allele CA279055.